The following is an entry in ClinVar:

ClinVar aggregate classification (germline): Uncertain significance. Review status: criteria provided, multiple submitters, no conflicts (2 of 4 stars). 5 submissions from 5 submitters: Uncertain significance (5). Last evaluated 2025-08-14.

Conditions:
Ataxia-telangiectasia syndrome (AT). Also called: Cerebello-oculocutaneous telangiectasia; Immunodeficiency with ataxia telangiectasia; Ataxia-telangiectasia, complementation group E; Ataxia-telangiectasia, complementation group D; AT, COMPLEMENTATION GROUP C; ATAXIA-TELANGIECTASIA, COMPLEMENTATION GROUP A. Identifiers: Orphanet 100, MedGen C0004135, MONDO:0008840, OMIM 208900.
Hereditary cancer-predisposing syndrome. Also called: Hereditary Cancer Syndrome; Neoplastic Syndromes, Hereditary; Hereditary neoplastic syndrome; Tumor predisposition. Identifiers: Orphanet 140162, MedGen C0027672, MeSH D009386, MONDO:0015356.

Submissions (5):

Color Diagnostics, LLC DBA Color Health
Classification: Uncertain significance for Hereditary cancer-predisposing syndrome. Last evaluated: 2025-08-14. Review status: criteria provided, single submitter. Criteria: ACMG Guidelines, 2015. Collection method: clinical testing. Allele origin: germline.
Comment: This missense variant replaces cysteine with tyrosine at codon 819 of the ATM protein. Computational prediction is inconclusive regarding the impact of this variant on protein structure and function. To our knowledge, functional studies have not been reported for this variant. This variant has not been reported in individuals affected with ATM-related disorders in the literature. This variant has not been identified in the general population by the Genome Aggregation Database (gnomAD). The available evidence is insufficient to determine the role of this variant in disease conclusively. Therefore, this variant is classified as a Variant of Uncertain Significance.

Women's Health and Genetics/Laboratory Corporation of America, LabCorp
Classification: Uncertain significance. Last evaluated: 2025-07-07. Review status: criteria provided, single submitter. Criteria: LabCorp Variant Classification Summary - May 2015. Collection method: clinical testing. Allele origin: germline.
Comment: Variant summary: ATM c.2456G>A (p.Cys819Tyr) results in a non-conservative amino acid change in the encoded protein sequence. Algorithms developed to predict the effect of missense changes on protein structure and function all suggest that this variant is likely to be disruptive. The variant was absent in 250840 control chromosomes. The available data on variant occurrences in the general population are insufficient to allow any conclusion about variant significance. To our knowledge, no occurrence of c.2456G>A in individuals affected with Breast Cancer and no experimental evidence demonstrating its impact on protein function have been reported. ClinVar contains an entry for this variant (Variation ID: 821308). Based on the evidence outlined above, the variant was classified as uncertain significance.

Labcorp Genetics (formerly Invitae), Labcorp
Classification: Uncertain significance for Ataxia-telangiectasia syndrome. Last evaluated: 2024-12-30. Review status: criteria provided, single submitter. Criteria: Invitae Variant Classification Sherloc (09022015). Collection method: clinical testing. Allele origin: germline.
Comment: This sequence change replaces cysteine, which is neutral and slightly polar, with tyrosine, which is neutral and polar, at codon 819 of the ATM protein (p.Cys819Tyr). This variant is not present in population databases (gnomAD no frequency). This variant has not been reported in the literature in individuals affected with ATM-related conditions. ClinVar contains an entry for this variant (Variation ID: 821308). Invitae Evidence Modeling of protein sequence and biophysical properties (such as structural, functional, and spatial information, amino acid conservation, physicochemical variation, residue mobility, and thermodynamic stability) has been performed for this missense variant. However, the output from this modeling did not meet the statistical confidence thresholds required to predict the impact of this variant on ATM protein function. In summary, the available evidence is currently insufficient to determine the role of this variant in disease. Therefore, it has been classified as a Variant of Uncertain Significance.

Ambry Genetics
Classification: Uncertain significance for Hereditary cancer-predisposing syndrome. Last evaluated: 2024-08-12. Review status: criteria provided, single submitter. Criteria: Ambry Variant Classification Scheme 2023. Collection method: clinical testing. Allele origin: germline.
Comment: The p.C819Y variant (also known as c.2456G>A), located in coding exon 15 of the ATM gene, results from a G to A substitution at nucleotide position 2456. The cysteine at codon 819 is replaced by tyrosine, an amino acid with highly dissimilar properties. Another variant at the same codon, p.C819R (c.2455T>C), has been confirmed in trans with an ATM pathogenic variant in an individual diagnosed with Ataxia telangiectasia (Blanchard-Rohner G et al. Front Immunol, 2022 Jan;13:791522). This amino acid position is highly conserved in available vertebrate species. In addition, this alteration is predicted to be deleterious by in silico analysis. Based on the available evidence, the clinical significance of this variant remains unclear.

Sema4
Classification: Uncertain significance for Hereditary cancer-predisposing syndrome. Last evaluated: 2022-01-18. Review status: criteria provided, single submitter. Criteria: Sema4 Curation Guidelines. Collection method: curation. Allele origin: germline.
Comment: The ATM c.2456G>A (p.C819Y) variant has not been reported in the literature to our knowledge. It was not observed in the large and broad cohorts of the Genome Aggregation Database. The variant has been reported in ClinVar (Variation ID 821308). Functional studies have not been performed, and in silico predictions of the variant's effect on protein function are inconclusive. The evidence is insufficient to meet ACMG/AMP criteria for classifying the variant as benign or pathogenic. Thus, the clinical significance of this variant is currently uncertain.

NM_000051.4(ATM):c.2456G>A (p.Cys819Tyr)

Gene: ATM (ATM serine/threonine kinase; plus strand). Cytogenetic location: 11q22.3.
Variant type: single nucleotide variant.
Coding change: c.2456G>A on transcript NM_000051.4 (MANE Select); coding-DNA position 2456, G replaced by A.
Protein change: p.Cys819Tyr; replaces cysteine 819 with tyrosine.
Molecular consequence: missense variant.
Genome position (GRCh38, 1-based): chr11:108,259,065, G>A. VCF-style: chr11-108259065-G-A. GRCh37 (hg19) VCF-style: chr11-108129792-G-A.
Other names: c.2456G>A, p.Cys819Tyr (NM_001351834.2); short protein forms C819Y.
Identifiers: ClinVar variation 821308 (VCV000821308.18), dbSNP rs1591551588, ClinGen allele CA382541379.